The following is an entry in ClinVar:

ClinVar aggregate classification (germline): Uncertain significance (1 of 4 stars; one submission).

Allele frequency attached by ClinVar (database versions not stated): gnomAD exomes below 0.00001.

Submission:

Labcorp Genetics (formerly Invitae), Labcorp
Classification: Uncertain significance. Last evaluated: 2023-02-16. Review status: criteria provided, single submitter. Criteria: Invitae Variant Classification Sherloc (09022015). Collection method: clinical testing. Allele origin: germline.
Comment: This sequence change replaces glutamine, which is neutral and polar, with histidine, which is basic and polar, at codon 85 of the CTNNB1 protein (p.Gln85His). This variant is not present in population databases (gnomAD no frequency). This variant has not been reported in the literature in individuals affected with CTNNB1-related conditions. Advanced modeling of protein sequence and biophysical properties (such as structural, functional, and spatial information, amino acid conservation, physicochemical variation, residue mobility, and thermodynamic stability) performed at Invitae indicates that this missense variant is not expected to disrupt CTNNB1 protein function. In summary, the available evidence is currently insufficient to determine the role of this variant in disease. Therefore, it has been classified as a Variant of Uncertain Significance.

NM_001904.4(CTNNB1):c.255G>T (p.Gln85His)

Genes: CTNNB1 (catenin beta 1; plus strand), LOC126806658 (BRD4-independent group 4 enhancer GRCh37_chr3:41265899-41267098; plus strand). Cytogenetic location: 3p22.1.
Variant type: single nucleotide variant.
Coding change: c.255G>T on transcript NM_001904.4 (MANE Select); coding-DNA position 255, G replaced by T.
Protein change: p.Gln85His; replaces glutamine 85 with histidine.
Molecular consequence: missense variant.
Genome position (GRCh38, 1-based): chr3:41,224,967, G>T. VCF-style: chr3-41224967-G-T. GRCh37 (hg19) VCF-style: chr3-41266458-G-T.
Other names: c.255G>T, p.Gln85His (NM_001098209.2, NM_001098210.2); c.234G>T, p.Gln78His (NM_001330729.2); short protein forms Q78H, Q85H.
Identifiers: ClinVar variation 2812337 (VCV002812337.3), dbSNP rs2125619663, ClinGen allele CA352228886.